The following is an entry in ClinVar:

NM_033305.3(VPS13A):c.3847del (p.Leu1283fs)

Gene: VPS13A (vacuolar protein sorting 13 homolog A; plus strand). Cytogenetic location: 9q21.2.
Variant type: Deletion.
Coding change: c.3847del on transcript NM_033305.3 (MANE Select); coding-DNA position 3847, one base deleted (C; older notation c.3847delC).
Protein change: p.Leu1283fs; shifts the reading frame from leucine 1283.
Molecular consequence: frameshift variant.
Genome position (GRCh38, 1-based): chr9:77,302,949, C deleted. VCF-style (leftmost placement, unchanged base first): chr9-77302948-AC-A. GRCh37 (hg19) VCF-style: chr9-79917864-AC-A.
Other names: c.3730del, p.Leu1244fs (NM_001018037.2); c.3847del, p.Leu1283fs (NM_001018038.3, NM_015186.4); short protein forms L1244fs, L1283fs.
Identifiers: ClinVar variation 5011641 (VCV005011641.1).

ClinVar aggregate classification (germline): Pathogenic (1 of 4 stars; one submission).

Conditions:
VPS13A-related neurodegenerative disease. Also called: ACANTHOCYTOSIS WITH NEUROLOGIC DISORDER; LEVINE-CRITCHLEY SYNDROME; Choreoacanthocytosis; Chorea-acanthocytosis; Choreaacanthocytosis; VPS13A Disease. Identifiers: Orphanet 2388, MedGen C0393576, MONDO:0008695, OMIM 200150.

Submission:

Myriad Genetics, Inc.
Classification: Pathogenic for VPS13A-related neurodegenerative disease. Last evaluated: 2024-05-14. Review status: criteria provided, single submitter. Criteria: Myriad Autosomal Dominant, Autosomal Recessive and X-Linked Classification Criteria (2023). Collection method: clinical testing. Allele origin: unknown.
Comment: NM_033305.2(VPS13A):c.3847delC(L1283Wfs*7) is expected to be pathogenic in the context of VPS13A disease. This variant is predicted to lead to an abnormal or absent protein product due to the creation of a premature termination codon in VPS13A, a gene where loss-of-function variants are known to be pathogenic. Please note: this variant was assessed in the context of healthy population screening.